The following is an entry in ClinVar:

NM_000531.6(OTC):c.299-1G>A

Gene: OTC (ornithine transcarbamylase; plus strand). Cytogenetic location: Xp11.4.
Variant type: single nucleotide variant.
Coding change: c.299-1G>A on transcript NM_000531.6 (MANE Select); the canonical splice acceptor site of the intron before coding-DNA position 299, G replaced by A.
Molecular consequence: splice acceptor variant.
Genome position (GRCh38, 1-based): chrX:38,381,341, G>A. VCF-style: chrX-38381341-G-A. GRCh37 (hg19) VCF-style: chrX-38240594-G-A.
Other names: c.299-1G>A (NM_001407092.1).
Identifiers: ClinVar variation 3677200 (VCV003677200.3).

ClinVar aggregate classification (germline): Likely pathogenic. Review status: criteria provided, multiple submitters, no conflicts (2 of 4 stars). 2 submissions from 2 submitters: Likely pathogenic (2). Last evaluated 2024-01-25.

Conditions:
Ornithine carbamoyltransferase deficiency (OTCD). Also called: ORNITHINE TRANSCARBAMYLASE DEFICIENCY; ORNITHINE TRANSCARBAMYLASE DEFICIENCY, HYPERAMMONEMIA DUE TO; OTC DEFICIENCY; Ornithine Carbamoyltransferase Deficiency Disease. Identifiers: Orphanet 664, MedGen C0268542, MONDO:0010703, OMIM 311250.
OTC-related disorder. Also called: OTC-related condition.

Submissions (2):

Labcorp Genetics (formerly Invitae), Labcorp
Classification: Likely pathogenic for Ornithine carbamoyltransferase deficiency. Last evaluated: 2024-01-25. Review status: criteria provided, single submitter. Criteria: Invitae Variant Classification Sherloc (09022015). Collection method: clinical testing. Allele origin: germline.
Comment: This sequence change affects an acceptor splice site in intron 3 of the OTC gene. It is expected to disrupt RNA splicing. Variants that disrupt the donor or acceptor splice site typically lead to a loss of protein function (PMID: 16199547), and loss-of-function variants in OTC are known to be pathogenic (PMID: 10946359, 16786505). This variant is not present in population databases (gnomAD no frequency). Disruption of this splice site has been observed in individual(s) with clinical features of OTC-related conditions (PMID: 33309754). Algorithms developed to predict the effect of sequence changes on RNA splicing suggest that this variant may disrupt the consensus splice site. In summary, the currently available evidence indicates that the variant is pathogenic, but additional data are needed to prove that conclusively. Therefore, this variant has been classified as Likely Pathogenic.

Blueprint Genetics
Classification: Likely pathogenic for OTC-related disorders. Last evaluated: 2020-07-17. Review status: criteria provided, single submitter. Criteria: ACMG Guidelines, 2015. Collection method: clinical testing. Allele origin: germline. Affected: yes. Observed: 1 variant allele.

Literature cited by the submitters: PubMed 16199547 (cited by Labcorp Genetics (formerly Invitae), Labcorp); PubMed 10946359 (cited by Labcorp Genetics (formerly Invitae), Labcorp); PubMed 16786505 (cited by Labcorp Genetics (formerly Invitae), Labcorp); PubMed 33309754 (cited by Labcorp Genetics (formerly Invitae), Labcorp).